The following is an entry in ClinVar:

ClinVar aggregate classification (germline): Conflicting classifications of pathogenicity. Review status: criteria provided, conflicting classifications (1 of 4 stars). 7 submissions from 7 submitters: Uncertain significance (4); Likely benign (3). Last evaluated 2026-05-26.

Conditions:
TTN-related disorder. Also called: TTN-related condition; TTN-related disease; TTN-related disorders.
Dilated cardiomyopathy 1G (CMD1G). Identifiers: Orphanet 154, MedGen C1858763, MONDO:0011400, OMIM 604145.
Autosomal recessive limb-girdle muscular dystrophy type 2J (LGMDR10). Also called: Limb-girdle muscular dystrophy, type 2J; MUSCULAR DYSTROPHY, LIMB-GIRDLE, AUTOSOMAL RECESSIVE 10. Identifiers: Orphanet 140922, MedGen C1837342, MONDO:0012127, OMIM 608807.

Allele frequency attached by ClinVar (database versions not stated): gnomAD exomes 0.00006; gnomAD 0.00011 and 0.00012; TOPMed 0.00014; ESP Exome Variant Server 0.00023; 1000 Genomes Project 0.00060; 1000 Genomes Project 30x 0.00094.
gnomAD v4.1: 99 of 1,613,922 alleles (0.0061%); highest among the groups gnomAD compares: African/African-American, 0.041%; no homozygotes.

Submissions (7):

Women's Health and Genetics/Laboratory Corporation of America, LabCorp
Classification: Likely benign. Last evaluated: 2026-05-26. Review status: criteria provided, single submitter. Criteria: LabCorp Variant Classification Summary - May 2015. Collection method: clinical testing. Allele origin: germline.
Comment: Variant summary: TTN c.4261C>T (p.Arg1421Trp) results in a non-conservative amino acid change located in the near Z-disk region of the encoded protein sequence. Algorithms developed to predict the effect of missense changes on protein structure and function are either unavailable or do not agree on the potential impact of this missense change. The variant allele was found at a frequency of 8.2e-05 in 281776 control chromosomes, predominantly at a frequency of 0.00052 within the African or African-American subpopulation in the gnomAD database. The observed variant frequency within African or African-American control individuals in the gnomAD database exceeds the estimated maximal expected allele frequency for disease-causing variants in TTN. c.4261C>T has been observed in a sudden cardiac death cohort in one subject who also carried other variants in cardiac-related genes (Nunn_2015). This report does not provide unequivocal conclusions about association of the variant with disease. To our knowledge, no experimental evidence demonstrating an impact on protein function has been reported. The following publication have been ascertained in the context of this evaluation (PMID: 26498160). ClinVar contains an entry for this variant (Variation ID: 178271). Based on the evidence outlined above, the variant was classified as likely benign.

PreventionGenetics, part of Exact Sciences
Classification: Uncertain significance for TTN-related condition. Last evaluated: 2026-05-09. Review status: criteria provided, single submitter. Criteria: ACMG Guidelines, 2015. Collection method: clinical testing. Allele origin: germline.
Comment: The TTN c.4261C>T variant is predicted to result in the amino acid substitution p.Arg1421Trp. To our knowledge, this variant has not been reported in the literature. This variant is reported in 0.052% of alleles in individuals of African descent in gnomAD. Although we suspect that this variant may be benign, at this time, the clinical significance of this variant is uncertain due to the absence of conclusive functional and genetic evidence.

Revvity Omics, Revvity
Classification: Uncertain significance. Last evaluated: 2025-04-11. Review status: criteria provided, single submitter. Criteria: ACMG Guidelines, 2015. Collection method: clinical testing. Allele origin: germline.

GeneDx
Classification: Likely benign. Last evaluated: 2021-03-03. Review status: criteria provided, single submitter. Criteria: GeneDx Variant Classification Process June 2021. Collection method: clinical testing. Allele origin: germline. Affected: yes.

Laboratory for Molecular Medicine, Mass General Brigham Personalized Medicine
Classification: Likely benign. Last evaluated: 2018-10-10. Review status: criteria provided, single submitter. Criteria: LMM Criteria. Collection method: clinical testing. Allele origin: germline. Observed: 2 variant alleles.
Comment: The p.Arg1421Trp variant in TTN is classified as likely benign because it has be en identified in 0.05% (12/24020) of African chromosomes by gnomAD. ACMG/AMP Criteria applied: BS1.

Labcorp Genetics (formerly Invitae), Labcorp
Classification: Uncertain significance for Dilated cardiomyopathy 1G; Autosomal recessive limb-girdle muscular dystrophy type 2J. Last evaluated: 2017-11-06. Review status: criteria provided, single submitter. Criteria: Invitae Variant Classification Sherloc (09022015). Collection method: clinical testing. Allele origin: germline.

Genetic Services Laboratory, University of Chicago
Classification: Uncertain significance. Last evaluated: 2014-04-29. Review status: criteria provided, single submitter. Criteria: ACMG Guidelines, 2007. Collection method: clinical testing. Allele origin: germline.

Literature cited by the submitters: PubMed 26498160 (cited by Women's Health and Genetics/Laboratory Corporation of America, LabCorp).

NM_001267550.2(TTN):c.4261C>T (p.Arg1421Trp)

Genes: TTN (titin; minus strand), LOC101927055 (uncharacterized LOC101927055; plus strand). Cytogenetic location: 2q31.2.
Variant type: single nucleotide variant.
Coding change: c.4261C>T on transcript NM_001267550.2 (MANE Select); coding-DNA position 4261, C replaced by T.
Protein change: p.Arg1421Trp; replaces arginine 1421 with tryptophan.
Molecular consequence: missense variant. On other transcripts: non-coding transcript variant (1).
Genome position (GRCh38, 1-based): chr2:178,777,923, G>A on the plus strand (C>T on the coding strand, the complement: TTN is on the minus strand). VCF-style: chr2-178777923-G-A. GRCh37 (hg19) VCF-style: chr2-179642650-G-A.
Other names: c.4123C>T, p.Arg1375Trp (NM_003319.4, NM_133432.3, NM_133437.4); c.4261C>T, p.Arg1421Trp (NM_133379.5, NM_001256850.1, NM_133378.4); short protein forms R1421W, R1375W.
Identifiers: ClinVar variation 178271 (VCV000178271.17), dbSNP rs144672482, ClinGen allele CA181985.
Genomic context (GRCh38, chr2:178,777,923, plus strand): 5'-GTCCAGGGGACATTCTTGCAGGGGACATCCGTGCAGGAGACATCCTTGCAGGTGACATCC[G>A]TGCAGGAGACATGCGTATAGGAGACCTGCTCACTGAACGTGGAGAGAGAGATCTGCAAAA-3'
Protein context (NP_001254479.2, residues 1411-1431): SRSPIRMSPA[Arg1421Trp]MSPARMSPAR